The following is an entry in ClinVar:

ClinVar aggregate classification (germline): Conflicting classifications of pathogenicity. Review status: criteria provided, conflicting classifications (1 of 4 stars). 2 submissions from 2 submitters: Likely pathogenic (1); Uncertain significance (1). Last evaluated 2022-06-16.

Conditions:
KCNJ13-related disorders.

Submissions (2):

Blueprint Genetics
Classification: Likely pathogenic for KCNJ13-related disorders. Last evaluated: 2022-06-16. Review status: criteria provided, single submitter. Criteria: ACMG Guidelines, 2015. Collection method: clinical testing. Allele origin: germline. Affected: yes. Observed: 1 variant allele.

Labcorp Genetics (formerly Invitae), Labcorp
Classification: Uncertain significance. Last evaluated: 2021-09-18. Review status: criteria provided, single submitter. Criteria: Invitae Variant Classification Sherloc (09022015). Collection method: clinical testing. Allele origin: germline.
Comment: This sequence change creates a premature translational stop signal (p.Tyr218*) in the KCNJ13 gene. While this is not anticipated to result in nonsense mediated decay, it is expected to disrupt the last 143 amino acid(s) of the KCNJ13 protein. This variant is not present in population databases (ExAC no frequency). This premature translational stop signal has been observed in individuals with clinical features of Leber congenital amaurosis (Invitae). In summary, the available evidence is currently insufficient to determine the role of this variant in disease. Therefore, it has been classified as a Variant of Uncertain Significance.

NM_002242.4(KCNJ13):c.654C>A (p.Tyr218Ter)

Genes: GIGYF2 (GRB10 interacting GYF protein 2; plus strand), KCNJ13 (potassium inwardly rectifying channel subfamily J member 13; minus strand). Cytogenetic location: 2q37.1.
Variant type: single nucleotide variant.
Coding change: c.654C>A on transcript NM_002242.4 (MANE Select); coding-DNA position 654, C replaced by A.
Protein change: p.Tyr218Ter; replaces tyrosine 218 with a stop codon.
Molecular consequence: nonsense. On other transcripts: 3 prime UTR variant (1), intron variant (4).
Genome position (GRCh38, 1-based): chr2:232,768,620, G>T on the plus strand (C>A on the coding strand, the complement: KCNJ13 is on the minus strand). VCF-style: chr2-232768620-G-T. GRCh37 (hg19) VCF-style: chr2-233633330-G-T.
Other names: c.*133C>A (NM_001172416.1); c.414C>A, p.Tyr138Ter (NM_001172417.1); c.532+7184G>T (NM_001103146.3, NM_015575.4, NM_001103147.2 and 1 more transcripts); short protein forms Y138*, Y218*.
Identifiers: ClinVar variation 1346171 (VCV001346171.7), dbSNP rs2106335168, ClinGen allele CA351009881.